The following is an entry in ClinVar:

ClinVar aggregate classification (germline): Uncertain significance (1 of 4 stars; one submission).

Conditions:
Charcot-Marie-Tooth disease axonal type 2P. Also called: CHARCOT-MARIE-TOOTH NEUROPATHY, TYPE 2P; Charcot-Marie-Tooth Neuropathy Type 2G; CHARCOT-MARIE-TOOTH DISEASE, AXONAL, TYPE 2G; CMT 2G. Identifiers: Orphanet 300319, Orphanet 99941, MedGen C3280797, MONDO:0013753, OMIM 614436.

Submission:

Labcorp Genetics (formerly Invitae), Labcorp
Classification: Uncertain significance for Charcot-Marie-Tooth disease axonal type 2P. Last evaluated: 2025-06-22. Review status: criteria provided, single submitter. Criteria: Invitae Variant Classification Sherloc (09022015). Collection method: clinical testing. Allele origin: germline.
Comment: This sequence change falls in intron 19 of the LRSAM1 gene. It does not directly change the encoded amino acid sequence of the LRSAM1 protein. It affects a nucleotide within the consensus splice site. This variant is not present in population databases (gnomAD no frequency). This variant has not been reported in the literature in individuals affected with LRSAM1-related conditions. Variants that disrupt the consensus splice site are a relatively common cause of aberrant splicing (PMID: 17576681, 9536098). Algorithms developed to predict the effect of sequence changes on RNA splicing suggest that this variant is not likely to affect RNA splicing. In summary, the available evidence is currently insufficient to determine the role of this variant in disease. Therefore, it has been classified as a Variant of Uncertain Significance.

Literature cited by the submitters: PubMed 17576681; PubMed 9536098.

NM_001005373.4(LRSAM1):c.1504-3C>T

Gene: LRSAM1 (leucine rich repeat and sterile alpha motif containing 1; plus strand). Cytogenetic location: 9q33.3.
Variant type: single nucleotide variant.
Coding change: c.1504-3C>T on transcript NM_001005373.4 (MANE Select); 3 bases into the intron before coding-DNA position 1504, C replaced by T.
Molecular consequence: intron variant.
Genome position (GRCh38, 1-based): chr9:127,492,799, C>T. VCF-style: chr9-127492799-C-T. GRCh37 (hg19) VCF-style: chr9-130255078-C-T.
Other names: c.1504-3C>T (NM_138361.5, NM_001384142.1, NM_001384143.1 and 1 more transcripts); c.1423-3C>T (NM_001190723.3); c.715-3C>T (NM_001384144.1).
Identifiers: ClinVar variation 4774439 (VCV004774439.1).